The following is an entry in ClinVar:

ClinVar aggregate classification (germline): Uncertain significance (1 of 4 stars; one submission).

Conditions:
Inborn genetic diseases. Identifiers: MedGen C0950123, MeSH D030342.

Submission:

Ambry Genetics
Classification: Uncertain significance for Inborn genetic diseases. Last evaluated: 2025-01-31. Review status: criteria provided, single submitter. Criteria: Ambry Variant Classification Scheme 2023. Collection method: clinical testing. Allele origin: germline.
Comment: The c.731C>T (p.T244I) alteration is located in exon 7 (coding exon 7) of the PSMC3 gene. This alteration results from a C to T substitution at nucleotide position 731, causing the threonine (T) at amino acid position 244 to be replaced by an isoleucine (I). This variant was not reported in population-based cohorts in the Genome Aggregation Database (gnomAD). This amino acid position is highly conserved in available vertebrate species. This missense alteration is located in a region that has a low rate of benign missense variation (Lek, 2016; Firth, 2009). This alteration is predicted to be deleterious by in silico analysis. Based on insufficient or conflicting evidence, the clinical significance of this alteration remains unclear.

NM_002804.5(PSMC3):c.731C>T (p.Thr244Ile)

Gene: PSMC3 (proteasome 26S subunit, ATPase 3; minus strand). Cytogenetic location: 11p11.2.
Variant type: single nucleotide variant.
Coding change: c.731C>T on transcript NM_002804.5 (MANE Select); coding-DNA position 731, C replaced by T.
Protein change: p.Thr244Ile; replaces threonine 244 with isoleucine.
Molecular consequence: missense variant.
Genome position (GRCh38, 1-based): chr11:47,422,834, G>A on the plus strand (C>T on the coding strand, the complement: PSMC3 is on the minus strand). VCF-style: chr11-47422834-G-A. GRCh37 (hg19) VCF-style: chr11-47444385-G-A.
Other names: short protein forms T244I.
Identifiers: ClinVar variation 3426954 (VCV003426954.2).